The following is an entry in ClinVar:

NM_000277.3(PAH):c.843-8T>C

Genes: PAH (phenylalanine hydroxylase; minus strand), LOC126861615 (CDK7 strongly-dependent group 2 enhancer GRCh37_chr12:103244689-103245888; plus strand). Cytogenetic location: 12q23.2.
Variant type: single nucleotide variant.
Coding change: c.843-8T>C on transcript NM_000277.3 (MANE Select); 8 bases into the intron before coding-DNA position 843, T replaced by C.
Molecular consequence: intron variant.
Genome position (GRCh38, 1-based): chr12:102,851,764, A>G on the plus strand (T>C on the coding strand, the complement: PAH is on the minus strand). VCF-style: chr12-102851764-A-G. GRCh37 (hg19) VCF-style: chr12-103245542-A-G.
Other names: c.843-8T>C (NM_001354304.2).
Identifiers: ClinVar variation 1350724 (VCV001350724.5), dbSNP rs2136645006, ClinGen allele CA2573147922.

ClinVar aggregate classification (germline): Uncertain significance (1 of 4 stars; one submission).

Conditions:
Phenylketonuria (PKU). Also called: Phenylketonuria (PKU); FOLLING DISEASE; OLIGOPHRENIA PHENYLPYRUVICA; Phenylketonurias. Identifiers: Orphanet 716, MedGen C0031485, MONDO:0009861, OMIM 261600. Disease mechanism: loss of function.

gnomAD v4.1: 1 of 1,612,944 alleles (0.000062%); no homozygotes.

Submission:

Labcorp Genetics (formerly Invitae), Labcorp
Classification: Uncertain significance for Phenylketonuria. Last evaluated: 2021-09-01. Review status: criteria provided, single submitter. Criteria: Invitae Variant Classification Sherloc (09022015). Collection method: clinical testing. Allele origin: germline.
Comment: This sequence change falls in intron 7 of the PAH gene. It does not directly change the encoded amino acid sequence of the PAH protein. This variant is not present in population databases (ExAC no frequency). This variant has been observed in individual(s) with phenylketonuria (Invitae). In at least one individual the data is consistent with the variant being in trans (on the opposite chromosome) from a pathogenic variant. Algorithms developed to predict the effect of sequence changes on RNA splicing suggest that this variant is not likely to affect RNA splicing. In summary, the available evidence is currently insufficient to determine the role of this variant in disease. Therefore, it has been classified as a Variant of Uncertain Significance.